The following is an entry in ClinVar:

NM_005142.3(CBLIF):c.246C>T (p.Ser82=)

Gene: CBLIF (cobalamin binding intrinsic factor; minus strand). Cytogenetic location: 11q12.1.
Variant type: single nucleotide variant.
Coding change: c.246C>T on transcript NM_005142.3 (MANE Select); coding-DNA position 246, C replaced by T.
Protein change: p.Ser82=; no amino-acid change (serine 82 retained).
Molecular consequence: synonymous variant.
Genome position (GRCh38, 1-based): chr11:59,843,889, G>A on the plus strand (C>T on the coding strand, the complement: CBLIF is on the minus strand). VCF-style: chr11-59843889-G-A. GRCh37 (hg19) VCF-style: chr11-59611362-G-A.
Other names: p.Ser82=.
Identifiers: ClinVar variation 305042 (VCV000305042.16), dbSNP rs35792306, ClinGen allele CA6021648.

ClinVar aggregate classification (germline): Benign. Review status: criteria provided, multiple submitters, no conflicts (2 of 4 stars). 5 submissions from 5 submitters: Benign (5). Last evaluated 2026-01-27.

Conditions:
Hereditary intrinsic factor deficiency (IFD). Also called: PERNICIOUS ANEMIA, CONGENITAL, DUE TO DEFECT OF INTRINSIC FACTOR; Congenital intrinsic factor deficiency. Identifiers: Orphanet 332, MedGen C2062370, MONDO:0009852, OMIM 261000.

Allele frequency attached by ClinVar (database versions not stated): 1000 Genomes Project 30x 0.04950; 1000 Genomes Project 0.05371; TOPMed 0.05521; gnomAD 0.05846 and 0.05995; ESP Exome Variant Server 0.05881; gnomAD exomes 0.07240; ExAC 0.07472.
gnomAD v4.1: 129,330 of 1,611,282 alleles (8%); highest among the groups gnomAD compares: East Asian, 11%; 5,743 homozygotes.

Submissions (5):

Labcorp Genetics (formerly Invitae), Labcorp
Classification: Benign for Hereditary intrinsic factor deficiency. Last evaluated: 2026-01-27. Review status: criteria provided, single submitter. Criteria: Invitae Variant Classification Sherloc (09022015). Collection method: clinical testing. Allele origin: germline.

GeneDx
Classification: Benign. Last evaluated: 2021-05-04. Review status: criteria provided, single submitter. Criteria: GeneDx Variant Classification Process June 2021. Collection method: clinical testing. Allele origin: germline. Affected: yes.

Mayo Clinic Laboratories, Mayo Clinic
Classification: Benign. Last evaluated: 2021-04-12. Review status: criteria provided, single submitter. Criteria: ACMG Guidelines, 2015. Collection method: clinical testing. Allele origin: germline. Observed: 18 variant alleles.

Illumina Laboratory Services, Illumina
Classification: Benign for Hereditary intrinsic factor deficiency. Last evaluated: 2018-01-13. Review status: criteria provided, single submitter. Criteria: ICSL Variant Classification Criteria 13 December 2019. Collection method: clinical testing. Allele origin: germline.
Comment: This variant was observed in the ICSL laboratory as part of a predisposition screen in an ostensibly healthy population. It had not been previously curated by ICSL or reported in the Human Gene Mutation Database (HGMD: prior to June 1st, 2018), and was therefore a candidate for classification through an automated scoring system. Utilizing variant allele frequency, disease prevalence and penetrance estimates, and inheritance mode, an automated score was calculated to assess if this variant is too frequent to cause the disease. Based on the score and internal cut-off values, a variant classified as benign is not then subjected to further curation. The score for this variant resulted in a classification of benign for this disease.

Breakthrough Genomics
Classification: Benign. Review status: criteria provided, single submitter. Criteria: ACMG Guidelines, 2015. Collection method: not provided. Allele origin: germline. Inheritance: Autosomal recessive inheritance. Affected: yes.